The following is an entry in ClinVar:

ClinVar aggregate classification (germline): Benign/Likely benign. Review status: criteria provided, multiple submitters, no conflicts (2 of 4 stars). 8 submissions from 8 submitters: Benign (4); Likely benign (4). Last evaluated 2026-01-31.

Conditions:
Inborn genetic diseases. Identifiers: MedGen C0950123, MeSH D030342.
Donnai-Barrow syndrome. Also called: DBS/FOAR SYNDROME; FACIOOCULOACOUSTICORENAL SYNDROME. Identifiers: Orphanet 2143, MedGen C1857277, MONDO:0009104, OMIM 222448.

Allele frequency attached by ClinVar (database versions not stated): gnomAD exomes 0.00026 and 0.00066; ExAC 0.00088; gnomAD 0.00260 and 0.00275; TOPMed 0.00295; ESP Exome Variant Server 0.00323; 1000 Genomes Project 0.00399; 1000 Genomes Project 30x 0.00406.
gnomAD v4.1: 792 of 1,614,072 alleles (0.049%); highest among the groups gnomAD compares: African/African-American, 0.95%; 5 homozygotes.

Submissions (8):

Labcorp Genetics (formerly Invitae), Labcorp
Classification: Benign. Last evaluated: 2026-01-31. Review status: criteria provided, single submitter. Criteria: Invitae Variant Classification Sherloc (09022015). Collection method: clinical testing. Allele origin: germline.

Ambry Genetics
Classification: Likely benign for Inborn genetic diseases. Last evaluated: 2025-09-01. Review status: criteria provided, single submitter. Criteria: Ambry Variant Classification Scheme 2023. Collection method: clinical testing. Allele origin: germline.

Mayo Clinic Laboratories, Mayo Clinic
Classification: Likely benign. Last evaluated: 2025-02-21. Review status: criteria provided, single submitter. Criteria: ACMG Guidelines, 2015. Collection method: clinical testing. Allele origin: germline. Observed: 1 variant allele.
Comment: BS1, BP4_moderate

Blueprint Genetics
Classification: Likely benign. Last evaluated: 2024-07-08. Review status: criteria provided, single submitter. Criteria: ACMG Guidelines, 2015. Collection method: clinical testing. Allele origin: germline.

CeGaT Center for Human Genetics Tuebingen
Classification: Likely benign. Last evaluated: 2022-09-01. Review status: criteria provided, single submitter. Criteria: CeGaT Center For Human Genetics Tuebingen Variant Classification Criteria Version 2. Collection method: clinical testing. Allele origin: germline. Affected: yes. Observed: 1 variant allele.
Comment: LRP2: BP4, BS2

Genome-Nilou Lab
Classification: Benign for Donnai-Barrow syndrome. Last evaluated: 2021-07-15. Review status: criteria provided, single submitter. Criteria: ACMG Guidelines, 2015. Collection method: clinical testing. Allele origin: germline. Affected: no.

Illumina Laboratory Services, Illumina
Classification: Benign for Donnai-Barrow syndrome. Last evaluated: 2017-04-27. Review status: criteria provided, single submitter. Criteria: ICSL Variant Classification Criteria 13 December 2019. Collection method: clinical testing. Allele origin: germline.
Comment: This variant was observed as part of a predisposition screen in an ostensibly healthy population. A literature search was performed for the gene, cDNA change, and amino acid change (where applicable). No publications were found based on this search. Allele frequency data from public databases was too high to be consistent with this variant causing disease. Therefore, this variant is classified as benign.

Breakthrough Genomics
Classification: Benign. Review status: criteria provided, single submitter. Criteria: ACMG Guidelines, 2015. Collection method: not provided. Allele origin: germline. Inheritance: Autosomal recessive inheritance. Affected: yes.

NM_004525.3(LRP2):c.4924A>G (p.Ile1642Val)

Gene: LRP2 (LDL receptor related protein 2; minus strand). Cytogenetic location: 2q31.1.
Variant type: single nucleotide variant.
Coding change: c.4924A>G on transcript NM_004525.3 (MANE Select); coding-DNA position 4924, A replaced by G.
Protein change: p.Ile1642Val; replaces isoleucine 1642 with valine.
Molecular consequence: missense variant.
Genome position (GRCh38, 1-based): chr2:169,233,585, T>C on the plus strand (A>G on the coding strand, the complement: LRP2 is on the minus strand). VCF-style: chr2-169233585-T-C. GRCh37 (hg19) VCF-style: chr2-170090095-T-C.
Other names: p.Ile1642Val; short protein forms I1642V.
Identifiers: ClinVar variation 714130 (VCV000714130.44), dbSNP rs144737909, ClinGen allele CA1954669.
Genomic context (GRCh38, chr2:169,233,585, plus strand): 5'-TAGCACGGTCAGTCCAGTACACAGAGTCTTCAAAGAGAGTTAGGGCATAGGGGTGCCGTA[T>C]AATCTGTGAGGCAGAAGAGAACAGTGAGACCTCATCCAAAAATCAAAGCCAAGGTGCACT-3'
Protein context (NP_004516.2, residues 1632-1652): RRQVIASDLI[Ile1642Val]RHPYALTLFE